The following is an entry in ClinVar:

NM_006904.7(PRKDC):c.8672G>A (p.Arg2891His)

Genes: PRKDC (protein kinase, DNA-activated, catalytic subunit; minus strand), LOC121740717 (Sharpr-MPRA regulatory region 7649; plus strand). Cytogenetic location: 8q11.21.
Variant type: single nucleotide variant.
Coding change: c.8672G>A on transcript NM_006904.7 (MANE Select); coding-DNA position 8672, G replaced by A.
Protein change: p.Arg2891His; replaces arginine 2891 with histidine.
Molecular consequence: missense variant.
Genome position (GRCh38, 1-based): chr8:47,826,767, C>T on the plus strand (G>A on the coding strand, the complement: PRKDC is on the minus strand). VCF-style: chr8-47826767-C-T. GRCh37 (hg19) VCF-style: chr8-48739328-C-T.
Other names: c.8672G>A, p.Arg2891His (NM_001081640.2); short protein forms R2891H.
Identifiers: ClinVar variation 2160594 (VCV002160594.2), dbSNP rs1014899694, ClinGen allele CA176151318.

ClinVar aggregate classification (germline): Uncertain significance (1 of 4 stars; one submission).

Conditions:
Severe combined immunodeficiency due to DNA-PKcs deficiency. Also called: IMMUNODEFICIENCY 26 WITH NEUROLOGIC ABNORMALITIES; Immunodeficiency 26 with or without neurologic abnormalities. Identifiers: Orphanet 317425, MedGen C4014833, MONDO:0014423, OMIM 615966.

Allele frequency attached by ClinVar (database versions not stated): gnomAD exomes 0.00001; TOPMed 0.00001; gnomAD 0.00001.
gnomAD v4.1: 10 of 1,611,822 alleles (0.00062%); highest among the groups gnomAD compares: African/African-American, 0.0027%; no homozygotes.

Submission:

Labcorp Genetics (formerly Invitae), Labcorp
Classification: Uncertain significance for Severe combined immunodeficiency due to DNA-PKcs deficiency. Last evaluated: 2025-10-04. Review status: criteria provided, single submitter. Criteria: Invitae Variant Classification Sherloc (09022015). Collection method: clinical testing. Allele origin: germline.
Comment: This sequence change replaces arginine, which is basic and polar, with histidine, which is basic and polar, at codon 2891 of the PRKDC protein (p.Arg2891His). This variant is not present in population databases (gnomAD no frequency). This variant has not been reported in the literature in individuals affected with PRKDC-related conditions. ClinVar contains an entry for this variant (Variation ID: 2160594). Invitae Evidence Modeling of protein sequence and biophysical properties (such as structural, functional, and spatial information, amino acid conservation, physicochemical variation, residue mobility, and thermodynamic stability) indicates that this missense variant is not expected to disrupt PRKDC protein function with a negative predictive value of 80%. In summary, the available evidence is currently insufficient to determine the role of this variant in disease. Therefore, it has been classified as a Variant of Uncertain Significance.